The following is an entry in ClinVar:

NM_000321.3(RB1):c.1991C>T (p.Thr664Ile)

Gene: RB1 (RB transcriptional corepressor 1; plus strand). Cytogenetic location: 13q14.2.
Variant type: single nucleotide variant.
Coding change: c.1991C>T on transcript NM_000321.3 (MANE Select); coding-DNA position 1991, C replaced by T.
Protein change: p.Thr664Ile; replaces threonine 664 with isoleucine.
Molecular consequence: missense variant.
Genome position (GRCh38, 1-based): chr13:48,459,718, C>T. VCF-style: chr13-48459718-C-T. GRCh37 (hg19) VCF-style: chr13-49033854-C-T.
Other names: short protein forms T664I.
Identifiers: ClinVar variation 966438 (VCV000966438.13), dbSNP rs749739772, ClinGen allele CA388166720.

ClinVar aggregate classification (germline): Uncertain significance. Review status: criteria provided, multiple submitters, no conflicts (2 of 4 stars). 3 submissions from 3 submitters: Uncertain significance (3). Last evaluated 2025-12-09.

Conditions:
Hereditary cancer-predisposing syndrome. Also called: Hereditary neoplastic syndrome; Neoplastic Syndromes, Hereditary; Hereditary Cancer Syndrome; Tumor predisposition. Identifiers: Orphanet 140162, MedGen C0027672, MeSH D009386, MONDO:0015356.
Retinoblastoma (RB1). Also called: RETINOBLASTOMA, SOMATIC. Identifiers: Orphanet 790, MedGen C0035335, MeSH D012175, MONDO:0008380, OMIM 180200, HP:0009919. Disease mechanism: loss of function. Inheritance: Both sporadic and heritable forms are tested..

Submissions (3):

Labcorp Genetics (formerly Invitae), Labcorp
Classification: Uncertain significance for Retinoblastoma. Last evaluated: 2025-12-09. Review status: criteria provided, single submitter. Criteria: Invitae Variant Classification Sherloc (09022015). Collection method: clinical testing. Allele origin: germline.
Comment: This sequence change replaces threonine, which is neutral and polar, with isoleucine, which is neutral and non-polar, at codon 664 of the RB1 protein (p.Thr664Ile). This variant is not present in population databases (gnomAD no frequency). This variant has not been reported in the literature in individuals affected with RB1-related conditions. ClinVar contains an entry for this variant (Variation ID: 966438). Invitae Evidence Modeling of protein sequence and biophysical properties (such as structural, functional, and spatial information, amino acid conservation, physicochemical variation, residue mobility, and thermodynamic stability) indicates that this missense variant is not expected to disrupt RB1 protein function with a negative predictive value of 80%. In summary, the available evidence is currently insufficient to determine the role of this variant in disease. Therefore, it has been classified as a Variant of Uncertain Significance.

All of Us Research Program, National Institutes of Health
Classification: Uncertain significance for Retinoblastoma. Last evaluated: 2023-11-20. Review status: criteria provided, single submitter. Criteria: ACMG Guidelines, 2015. Collection method: clinical testing. Allele origin: germline. Inheritance: Autosomal dominant inheritance. Observed: 1 variant allele, 1 heterozygote.
Comment: This missense variant replaces threonine with isoleucine at codon 664 of the RB1 protein. Computational prediction suggests that this variant may not impact protein structure and function (internally defined REVEL score threshold <= 0.5, PMID: 27666373). To our knowledge, functional studies have not been reported for this variant. This variant has not been reported in individuals affected with RB1-related disorders in the literature. This variant has not been identified in the general population by the Genome Aggregation Database (gnomAD). The available evidence is insufficient to determine the role of this variant in disease conclusively. Therefore, this variant is classified as a Variant of Uncertain Significance.

This study involves interpretation of variants in research participants for the purpose of population health screening. Participant phenotype was not available at the time of variant classification. Additional details can be found in publication PMID: 35346344, PMCID: PMC8962531

Ambry Genetics
Classification: Uncertain significance for Hereditary cancer-predisposing syndrome. Last evaluated: 2019-11-25. Review status: criteria provided, single submitter. Criteria: Ambry Variant Classification Scheme 2023. Collection method: clinical testing. Allele origin: germline.
Comment: The p.T664I variant (also known as c.1991C>T), located in coding exon 20 of the RB1 gene, results from a C to T substitution at nucleotide position 1991. The threonine at codon 664 is replaced by isoleucine, an amino acid with similar properties. This amino acid position is not well conserved in available vertebrate species. In addition, the in silico prediction for this alteration is inconclusive. Since supporting evidence is limited at this time, the clinical significance of this alteration remains unclear.